The following is an entry in ClinVar:

NM_001349884.2(DRAM2):c.70A>G (p.Ile24Val)

Gene: DRAM2 (DNA damage regulated autophagy modulator 2; minus strand). Cytogenetic location: 1p13.3.
Variant type: single nucleotide variant.
Coding change: c.70A>G on transcript NM_001349884.2 (MANE Select); coding-DNA position 70, A replaced by G.
Protein change: p.Ile24Val; replaces isoleucine 24 with valine.
Molecular consequence: missense variant. On other transcripts: 5 prime UTR variant (8), non-coding transcript variant (8).
Genome position (GRCh38, 1-based): chr1:111,131,485, T>C on the plus strand (A>G on the coding strand, the complement: DRAM2 is on the minus strand). VCF-style: chr1-111131485-T-C. GRCh37 (hg19) VCF-style: chr1-111674107-T-C.
Other names: c.70A>G, p.Ile24Val (NM_001349881.2, NM_001349882.2, NM_001349885.2 and 1 more transcripts); c.-89A>G (NM_001349886.2, NM_001349887.2, NM_001349888.2); c.-181A>G (NM_001349889.2, NM_001349890.2, NM_001349892.2 and 1 more transcripts); c.-349A>G (NM_001349891.2); short protein forms I24V.
Identifiers: ClinVar variation 1036732 (VCV001036732.8), dbSNP rs1652067275, ClinGen allele CA341819731.

ClinVar aggregate classification (germline): Uncertain significance (1 of 4 stars; one submission).

Allele frequency attached by ClinVar (database versions not stated): gnomAD exomes below 0.00001.
gnomAD v4.1: 5 of 1,614,184 alleles (0.00031%); highest among the groups gnomAD compares: Non-Finnish European, 0.00034%; no homozygotes.

Submission:

Labcorp Genetics (formerly Invitae), Labcorp
Classification: Uncertain significance. Last evaluated: 2024-09-23. Review status: criteria provided, single submitter. Criteria: Invitae Variant Classification Sherloc (09022015). Collection method: clinical testing. Allele origin: germline.
Comment: This sequence change replaces isoleucine, which is neutral and non-polar, with valine, which is neutral and non-polar, at codon 24 of the DRAM2 protein (p.Ile24Val). This variant is not present in population databases (gnomAD no frequency). This variant has not been reported in the literature in individuals affected with DRAM2-related conditions. ClinVar contains an entry for this variant (Variation ID: 1036732). Invitae Evidence Modeling of protein sequence and biophysical properties (such as structural, functional, and spatial information, amino acid conservation, physicochemical variation, residue mobility, and thermodynamic stability) indicates that this missense variant is not expected to disrupt DRAM2 protein function with a negative predictive value of 80%. In summary, the available evidence is currently insufficient to determine the role of this variant in disease. Therefore, it has been classified as a Variant of Uncertain Significance.